The following is an entry in ClinVar:

ClinVar aggregate classification (germline): Likely pathogenic. Review status: criteria provided, single submitter (1 of 4 stars). 3 submissions from 3 submitters: Likely pathogenic (1). 2 of the submissions do not count toward it. Last evaluated 2024-11-08.

Conditions:
METACHROMATIC LEUKODYSTROPHY, SEVERE. Identifiers: MedGen C4017094.
Metachromatic leukodystrophy (MLD). Also called: ARSA DEFICIENCY; CEREBROSIDE SULFATASE DEFICIENCY; METACHROMATIC LEUKOENCEPHALOPATHY; Arylsulfatase A Deficiency; SULFATIDE LIPIDOSIS; Cerebral sclerosis diffuse metachromatic form. Identifiers: Orphanet 512, MedGen C0023522, MONDO:0018868, OMIM 250100.

Submissions (3):

Natera, Inc.
Classification: Likely pathogenic for Metachromatic leukodystrophy. Last evaluated: 2024-11-08. Review status: criteria provided, single submitter. Criteria: Natera Variant Classification Schema (03/2026). Collection method: clinical testing. Allele origin: germline.
Comment: The c.292_293delinsCT variant in ARSA is a deletion-insertion (delins) variant predicted to replace one or more nucleotides with a different sequence. This variant is rare in the general population with a frequency below the threshold expected for the associated phenotype(s). This variant has been observed in one or more individuals affected with the associated recessive disease, as either homozygous or compound heterozygous with a second variant (PMID: 28762252, 7825603). Functional studies show that this variant may disrupt protein function (PMID: 7825603). A different variant at the same position has been determined to be Pathogenic or Likely Pathogenic. Computational prediction algorithms indicate this variant is likely to affect gene or protein function. Given the available evidence, this variant is classified as Likely Pathogenic.

OMIM
Classification: Pathogenic for METACHROMATIC LEUKODYSTROPHY, SEVERE. Last evaluated: 2018-11-07. Review status: no assertion criteria provided. Collection method: literature only. Allele origin: germline. Not counted in ClinVar's aggregate classification.

UniProtKB/Swiss-Prot
No classification provided. Review status: no classification provided. Collection method: not provided. Allele origin: not provided. Not counted in ClinVar's aggregate classification.

Literature cited by the submitters: PubMed 28762252 (cited by Natera, Inc.); PubMed 7825603 (cited by Natera, Inc.); PubMed 1671769 (cited by OMIM).

NM_000487.6(ARSA):c.292_293delinsCT (p.Ser98Leu)

Gene: ARSA (arylsulfatase A; minus strand). Cytogenetic location: 22q13.33.
Variant type: Indel.
Coding change: c.292_293delinsCT on transcript NM_000487.6 (MANE Select); coding-DNA positions 292 to 293, TC replaced by CT.
Protein change: p.Ser98Leu; replaces serine 98 with leucine.
Molecular consequence: missense variant.
Genome position (GRCh38, 1-based): chr22:50,627,338-50,627,339, GA replaced by AG on the plus strand (TC replaced by CT on the coding strand, the reverse complement: ARSA is on the minus strand). VCF-style: chr22-50627338-GA-AG. GRCh37 (hg19) VCF-style: chr22-51065766-GA-AG.
Other names: S96L; c.292_293delinsCT, p.Ser98Leu (NM_001085425.3, NM_001085426.3, NM_001085427.3); c.34_35delinsCT, p.Ser12Leu (NM_001085428.3, NM_001362782.2); short protein forms S12L, S98L.
Identifiers: ClinVar variation 3062 (VCV000003062.3), dbSNP rs199476371, ClinGen allele CA115971.